The following is an entry in ClinVar:

NM_000222.3(KIT):c.2311A>T (p.Ser771Cys)

Gene: KIT (KIT proto-oncogene, receptor tyrosine kinase; plus strand). Cytogenetic location: 4q12.
Variant type: single nucleotide variant.
Coding change: c.2311A>T on transcript NM_000222.3 (MANE Select); coding-DNA position 2311, A replaced by T.
Protein change: p.Ser771Cys; replaces serine 771 with cysteine.
Molecular consequence: missense variant.
Genome position (GRCh38, 1-based): chr4:54,731,948, A>T. VCF-style: chr4-54731948-A-T. GRCh37 (hg19) VCF-style: chr4-55598114-A-T.
Other names: c.2299A>T, p.Ser767Cys (NM_001093772.2, NM_001385292.1); c.2314A>T, p.Ser772Cys (NM_001385284.1); c.2308A>T, p.Ser770Cys (NM_001385285.1); c.2296A>T, p.Ser766Cys (NM_001385286.1); c.2302A>T, p.Ser768Cys (NM_001385288.1); c.2311A>T, p.Ser771Cys (NM_001385290.1); short protein forms S766C, S767C, S768C, S770C, S771C, S772C.
Identifiers: ClinVar variation 2502646 (VCV002502646.2), dbSNP rs1722625754, ClinGen allele CA356911004.
Genomic context (GRCh38, chr4:54,731,948, plus strand): 5'-GATGTGACTCCCGCCATCATGGAGGATGACGAGTTGGCCCTAGACTTAGAAGACTTGCTG[A>T]GCTTTTCTTACCAGGTGGCAAAGGGCATGGCTTTCCTCGCCTCCAAGAATGTAAGTGGGA-3'
Protein context (NP_000213.1, residues 761-781): ELALDLEDLL[Ser771Cys]FSYQVAKGMA

ClinVar aggregate classification (germline): Uncertain significance (1 of 4 stars; one submission).

Allele frequency attached by ClinVar (database versions not stated): gnomAD exomes below 0.00001; TOPMed below 0.00001.
gnomAD v4.1: 1 of 1,612,832 alleles (0.000062%); highest among the groups gnomAD compares: Non-Finnish European, 0.000085%; no homozygotes.

Submission:

GeneDx
Classification: Uncertain significance. Last evaluated: 2023-06-06. Review status: criteria provided, single submitter. Criteria: GeneDx Variant Classification Process June 2021. Collection method: clinical testing. Allele origin: germline.
Comment: Not observed at significant frequency in large population cohorts (gnomAD); In silico analysis supports that this missense variant has a deleterious effect on protein structure/function; Has not been previously published as pathogenic or benign to our knowledge